The following is an entry in ClinVar:

NM_000535.7(PMS2):c.1705A>G (p.Thr569Ala)

Gene: PMS2 (PMS1 homolog 2, mismatch repair system component; minus strand). Cytogenetic location: 7p22.1.
Variant type: single nucleotide variant.
Coding change: c.1705A>G on transcript NM_000535.7 (MANE Select); coding-DNA position 1705, A replaced by G.
Protein change: p.Thr569Ala; replaces threonine 569 with alanine.
Molecular consequence: missense variant. On other transcripts: non-coding transcript variant (1).
Genome position (GRCh38, 1-based): chr7:5,987,060, T>C on the plus strand (A>G on the coding strand, the complement: PMS2 is on the minus strand). VCF-style: chr7-5987060-T-C. GRCh37 (hg19) VCF-style: chr7-6026691-T-C.
Other names: c.1300A>G, p.Thr434Ala (NM_001322005.2, NM_001322009.2, NM_001322003.2 and 1 more transcripts); c.1549A>G, p.Thr517Ala (NM_001322006.2); c.1387A>G, p.Thr463Ala (NM_001322007.2, NM_001322008.2); c.1144A>G, p.Thr382Ala (NM_001322010.2); c.772A>G, p.Thr258Ala (NM_001322011.2, NM_001322012.2); c.1132A>G, p.Thr378Ala (NM_001322013.2); c.1705A>G, p.Thr569Ala (NM_001322014.2); c.1396A>G, p.Thr466Ala (NM_001322015.2); short protein forms T569A, T258A, T517A, T378A, T382A, T434A, T463A, T466A.
Identifiers: ClinVar variation 185029 (VCV000185029.31), dbSNP rs762151417, ClinGen allele CA010109.

ClinVar aggregate classification (germline): Conflicting classifications of pathogenicity. Review status: criteria provided, conflicting classifications (1 of 4 stars). 9 submissions from 9 submitters: Uncertain significance (7); Likely benign (1). 1 of the submissions does not count toward it. Last evaluated 2025-11-10.

Conditions:
PMS2-related disorder. Also called: PMS2-related condition.
Hereditary cancer-predisposing syndrome. Also called: Neoplastic Syndromes, Hereditary; Hereditary neoplastic syndrome; Tumor predisposition; Hereditary Cancer Syndrome. Identifiers: Orphanet 140162, MedGen C0027672, MeSH D009386, MONDO:0015356.
Hereditary nonpolyposis colorectal neoplasms. Identifiers: MedGen C0009405, MeSH D003123.
Lynch syndrome. Identifiers: Orphanet 144, MedGen C4552100, MONDO:0005835. Disease mechanism: loss of function.

Allele frequency attached by ClinVar (database versions not stated): gnomAD 0.00001 and 0.00002; ExAC 0.00002; gnomAD exomes 0.00001; TOPMed 0.00001; 1000 Genomes Project 30x 0.00016.

Submissions (10):

Labcorp Genetics (formerly Invitae), Labcorp
Classification: Uncertain significance for Hereditary nonpolyposis colorectal neoplasms. Last evaluated: 2025-11-10. Review status: criteria provided, single submitter. Criteria: Invitae Variant Classification Sherloc (09022015). Collection method: clinical testing. Allele origin: germline.
Comment: This sequence change replaces threonine, which is neutral and polar, with alanine, which is neutral and non-polar, at codon 569 of the PMS2 protein (p.Thr569Ala). This variant is present in population databases (rs762151417, gnomAD 0.003%). This variant has not been reported in the literature in individuals affected with PMS2-related conditions. ClinVar contains an entry for this variant (Variation ID: 185029). Invitae Evidence Modeling incorporating data from in vitro experimental studies (internal data) indicates that this missense variant is not expected to disrupt PMS2 function with a negative predictive value of 95%. In summary, the available evidence is currently insufficient to determine the role of this variant in disease. Therefore, it has been classified as a Variant of Uncertain Significance.

Ambry Genetics
Classification: Likely benign for Hereditary cancer-predisposing syndrome. Last evaluated: 2025-04-11. Review status: criteria provided, single submitter. Criteria: Ambry Variant Classification Scheme 2023. Collection method: clinical testing. Allele origin: germline.

All of Us Research Program, National Institutes of Health
Classification: Uncertain significance for Lynch syndrome. Last evaluated: 2024-03-14. Review status: criteria provided, single submitter. Criteria: ACMG Guidelines, 2015. Collection method: clinical testing. Allele origin: germline. Inheritance: Autosomal dominant inheritance. Observed: 3 variant alleles, 3 heterozygotes.
Comment: This missense variant replaces threonine with alanine at codon 569 of the PMS2 protein. Computational prediction suggests that this variant may not impact protein structure and function (internally defined REVEL score threshold <= 0.5, PMID: 27666373). To our knowledge, functional studies have not been reported for this variant. This variant has not been reported in individuals affected with PMS2-related disorders in the literature. This variant has been identified in 2/251372 chromosomes in the general population by the Genome Aggregation Database (gnomAD). The available evidence is insufficient to determine the role of this variant in disease conclusively. Therefore, this variant is classified as a Variant of Uncertain Significance.

This study involves interpretation of variants in research participants for the purpose of population health screening. Participant phenotype was not available at the time of variant classification. Additional details can be found in publication PMID: 35346344, PMCID: PMC8962531

Color Diagnostics, LLC DBA Color Health
Classification: Uncertain significance for Hereditary cancer-predisposing syndrome. Last evaluated: 2024-03-06. Review status: criteria provided, single submitter. Criteria: ACMG Guidelines, 2015. Collection method: clinical testing. Allele origin: germline.
Comment: This missense variant replaces threonine with alanine at codon 569 of the PMS2 protein. Computational prediction suggests that this variant may not impact protein structure and function (internally defined REVEL score threshold <= 0.5, PMID: 27666373). To our knowledge, functional studies have not been reported for this variant. This variant has not been reported in individuals affected with PMS2-related disorders in the literature. This variant has been identified in 2/251372 chromosomes in the general population by the Genome Aggregation Database (gnomAD). The available evidence is insufficient to determine the role of this variant in disease conclusively. Therefore, this variant is classified as a Variant of Uncertain Significance.

GeneDx
Classification: Uncertain significance. Last evaluated: 2023-11-25. Review status: criteria provided, single submitter. Criteria: GeneDx Variant Classification Process June 2021. Collection method: clinical testing. Allele origin: germline.
Comment: Not observed at significant frequency in large population cohorts (gnomAD); In silico analysis supports that this missense variant does not alter protein structure/function; Has not been previously published as pathogenic or benign to our knowledge; This variant is associated with the following publications: (PMID: 20052760)

Quest Diagnostics Nichols Institute San Juan Capistrano
Classification: Uncertain significance. Last evaluated: 2023-08-24. Review status: criteria provided, single submitter. Criteria: Quest Diagnostics criteria. Collection method: clinical testing. Allele origin: unknown.
Comment: This variant has not been reported in the published literature. The frequency of this variant in the general population, 0.000033 (1/30616 chromosomes (Genome Aggregation Database)), is uninformative in the assessment of its pathogenicity. Analysis of this variant using bioinformatics tools for the prediction of the effect of amino acid changes on protein structure and function yielded predictions that this variant is benign. Based on the available information, we are unable to determine the clinical significance of this variant.

PreventionGenetics, part of Exact Sciences
Classification: Uncertain significance for PMS2-related condition. Last evaluated: 2022-10-12. Review status: criteria provided, single submitter. Criteria: ACMG Guidelines, 2015. Collection method: clinical testing. Allele origin: germline.
Comment: The PMS2 c.1705A>G variant is predicted to result in the amino acid substitution p.Thr569Ala. To our knowledge, this variant has not been reported in the literature. This variant is reported in 0.0033% of alleles in individuals of South Asian descent in gnomAD. This variant falls within a highly paralogous region; therefore, allele frequency data should be interpreted with caution. It is documented as a variant of uncertain significance in ClinVar. At this time, the clinical significance of this variant is uncertain due to the absence of conclusive functional and genetic evidence.

Institute for Clinical Genetics, University Hospital TU Dresden, University Hospital TU Dresden
Classification: Uncertain significance. Last evaluated: 2021-11-03. Review status: criteria provided, single submitter. Criteria: ACMG Guidelines, 2015. Collection method: clinical testing. Allele origin: germline.

Genetic Services Laboratory, University of Chicago
Classification: Uncertain significance. Last evaluated: 2022-09-07. Review status: no assertion criteria provided. Collection method: clinical testing. Allele origin: germline. Affected: no. Not counted in ClinVar's aggregate classification.
Comment: DNA sequence analysis of the PMS2 gene demonstrated a sequence change, c.1705A>G, in exon 11 that results in an amino acid change, p.Thr569Ala. This sequence change does not appear to have been previously described in individuals with PMS2-related disorders. This sequence change has been described in the gnomAD database with a frequency of 0.0008% (dbSNP rs762151417). The p.Thr569Ala change affects a poorly conserved amino acid residue located in a domain of the PMS2 protein that is not known to be functional. The p.Thr569Ala substitution appears to be benign using several in-silico pathogenicity prediction tools (SIFT, PolyPhen2, Align GVGD, REVEL). Due to insufficient evidences and the lack of functional studies, the clinical significance of the p.Thr569Ala change remains unknown at this time.

Dr. Peter K. Rogan Lab, Western University
No classification provided (evidence only). Condition: Thyroid cancer, nonmedullary, 1. Review status: no classification provided. Collection method: in vitro. Allele origin: not applicable. Functional consequence: skipped exon. Not counted in ClinVar's aggregate classification.